The following is an entry in ClinVar:

NM_000321.3(RB1):c.608-13A>C

Gene: RB1 (RB transcriptional corepressor 1; plus strand). Cytogenetic location: 13q14.2.
Variant type: single nucleotide variant.
Coding change: c.608-13A>C on transcript NM_000321.3 (MANE Select); 13 bases into the intron before coding-DNA position 608, A replaced by C.
Molecular consequence: intron variant.
Genome position (GRCh38, 1-based): chr13:48,360,004, A>C. VCF-style: chr13-48360004-A-C. GRCh37 (hg19) VCF-style: chr13-48934140-A-C.
Identifiers: ClinVar variation 1610600 (VCV001610600.9), dbSNP rs751643356, ClinGen allele CA2573149542.

ClinVar aggregate classification (germline): Likely benign. Review status: criteria provided, multiple submitters, no conflicts (2 of 4 stars). 2 submissions from 2 submitters: Likely benign (2). Last evaluated 2023-10-05.

Conditions:
Retinoblastoma (RB1). Also called: RETINOBLASTOMA, SOMATIC. Identifiers: Orphanet 790, MedGen C0035335, MeSH D012175, MONDO:0008380, OMIM 180200, HP:0009919. Disease mechanism: loss of function. Inheritance: Both sporadic and heritable forms are tested..

gnomAD v4.1: 1 of 1,595,186 alleles (0.000063%); highest among the groups gnomAD compares: Non-Finnish European, 0.000086%; no homozygotes.

Submissions (2):

Labcorp Genetics (formerly Invitae), Labcorp
Classification: Likely benign for Retinoblastoma. Last evaluated: 2023-10-05. Review status: criteria provided, single submitter. Criteria: Invitae Variant Classification Sherloc (09022015). Collection method: clinical testing. Allele origin: germline.

All of Us Research Program, National Institutes of Health
Classification: Likely benign for Retinoblastoma. Last evaluated: 2023-02-24. Review status: criteria provided, single submitter. Criteria: ACMG Guidelines, 2015. Collection method: clinical testing. Allele origin: germline. Inheritance: Autosomal dominant inheritance. Observed: 2 variant alleles, 2 heterozygotes.
Comment: This study involves interpretation of variants in research participants for the purpose of population health screening. Participant phenotype was not available at the time of variant classification. Additional details can be found in publication PMID: 35346344, PMCID: PMC8962531